The following is an entry in ClinVar:

ClinVar aggregate classification (germline): Uncertain significance. Review status: criteria provided, multiple submitters, no conflicts (2 of 4 stars). 4 submissions from 4 submitters: Uncertain significance (4). Last evaluated 2022-07-15.

Conditions:
Lissencephaly 4 (LIS4). Also called: Lissencephaly 4 (with microcephaly). Identifiers: Orphanet 1083, MedGen C3151461, MONDO:0013527, OMIM 614019.
NDE1-related microhydranencephaly (MHAC). Also called: HYDRANENCEPHALY AND MICROCEPHALY. Identifiers: Orphanet 443162, MedGen C1857977, MONDO:0011504, OMIM 605013.

Allele frequency attached by ClinVar (database versions not stated): gnomAD exomes 0.00006 and 0.00008; 1000 Genomes Project 0.00020; gnomAD 0.00007 and 0.00006; ESP Exome Variant Server 0.00008; ExAC 0.00006; 1000 Genomes Project 30x 0.00016; TOPMed 0.00006.
gnomAD v4.1: 143 of 1,614,000 alleles (0.0089%); highest among the groups gnomAD compares: East Asian, 0.17%; 1 homozygote.

Submissions (4):

Labcorp Genetics (formerly Invitae), Labcorp
Classification: Uncertain significance. Last evaluated: 2022-07-15. Review status: criteria provided, single submitter. Criteria: Invitae Variant Classification Sherloc (09022015). Collection method: clinical testing. Allele origin: germline.
Comment: In summary, the available evidence is currently insufficient to determine the role of this variant in disease. Therefore, it has been classified as a Variant of Uncertain Significance. Algorithms developed to predict the effect of missense changes on protein structure and function are either unavailable or do not agree on the potential impact of this missense change (SIFT: "Deleterious"; PolyPhen-2: "Benign"; Align-GVGD: "Class C0"). ClinVar contains an entry for this variant (Variation ID: 211577). This missense change has been observed in individual(s) with pervasive developmental disorder (PMID: 25332407). This variant is present in population databases (rs148118152, gnomAD 0.06%). This sequence change replaces threonine, which is neutral and polar, with methionine, which is neutral and non-polar, at codon 52 of the NDE1 protein (p.Thr52Met).

Fulgent Genetics
Classification: Uncertain significance for NDE1-related microhydranencephaly; Lissencephaly 4. Last evaluated: 2018-10-31. Review status: criteria provided, single submitter. Criteria: ACMG Guidelines, 2015. Collection method: clinical testing. Allele origin: unknown.

Illumina Laboratory Services, Illumina
Classification: Uncertain significance for Lissencephaly 4. Last evaluated: 2018-01-12. Review status: criteria provided, single submitter. Criteria: ICSL Variant Classification Criteria 13 December 2019. Collection method: clinical testing. Allele origin: germline.

Genetic Services Laboratory, University of Chicago
Classification: Uncertain significance. Last evaluated: 2015-06-02. Review status: criteria provided, single submitter. Criteria: ACMG Guidelines, 2015. Collection method: clinical testing. Allele origin: germline.

Literature cited by the submitters: PubMed 25332407 (cited by Labcorp Genetics (formerly Invitae), Labcorp).

NM_017668.3(NDE1):c.155C>T (p.Thr52Met)

Gene: NDE1 (nudE neurodevelopment protein 1; plus strand). Cytogenetic location: 16p13.11.
Variant type: single nucleotide variant.
Coding change: c.155C>T on transcript NM_017668.3 (MANE Select); coding-DNA position 155, C replaced by T.
Protein change: p.Thr52Met; replaces threonine 52 with methionine.
Molecular consequence: missense variant.
Genome position (GRCh38, 1-based): chr16:15,667,357, C>T. VCF-style: chr16-15667357-C-T. GRCh37 (hg19) VCF-style: chr16-15761214-C-T.
Other names: c.155C>T, p.Thr52Met (NM_001143979.2); short protein forms T52M.
Identifiers: ClinVar variation 211577 (VCV000211577.14), dbSNP rs148118152, ClinGen allele CA206194.